The following is an entry in ClinVar:

ClinVar aggregate classification (germline): Pathogenic/Likely pathogenic. Review status: criteria provided, multiple submitters, no conflicts (2 of 4 stars). 20 submissions from 19 submitters: Pathogenic (13); Likely pathogenic (1). 6 of the submissions do not count toward it. Last evaluated 2026-11-18.

Conditions:
MED12-Related Disorders. Also called: MED12-related disorder; MED12-related condition. Identifiers: MedGen CN381102.
FG syndrome (FGS). Identifiers: MedGen C0220769, MONDO:0002010.
Blepharophimosis - intellectual disability syndrome, MKB type. Also called: BLEPHAROPHIMOSIS-MENTAL RETARDATION SYNDROME, MAAT-KIEVIT-BRUNNER TYPE; X-Linked Ohdo Syndrome (XLOS); Ohdo syndrome, X-linked. Identifiers: Orphanet 293707, MedGen C3698541, MONDO:0010477, OMIM 300895.
FG syndrome 1 (OKS). Also called: KELLER SYNDROME; MENTAL RETARDATION, LARGE HEAD, IMPERFORATE ANUS, CONGENITAL HYPOTONIA, AND PARTIAL AGENESIS OF CORPUS CALLOSUM; FG Syndrome Type 1 (FGS1); OPITZ-KAVEGGIA SYNDROME. Identifiers: Orphanet 93932, MedGen C5399762, MONDO:0010590, OMIM 305450.
X-linked intellectual disability with marfanoid habitus. Also called: INTELLECTUAL DEVELOPMENTAL DISORDER, X-LINKED, SYNDROMIC, LUJAN-FRYNS TYPE; X-linked mental retardation with marfanoid habitus syndrome; Lujan Syndrome; Lujan Syndrome (LS). Identifiers: Orphanet 776, MedGen C0796022, MONDO:0010655, OMIM 309520.
Familial thoracic aortic aneurysm and aortic dissection (TAAD). Also called: Thoracic aortic aneurysms and dissections. Identifiers: Orphanet 91387, MedGen C4707243, MONDO:0019625.
Imperforate anus. Also called: Anal atresia; Anorectal stenosis; ANUS, IMPERFORATE, X-LINKED. Identifiers: Orphanet 557, MedGen C0003466, MONDO:0001046, OMIM 207500, OMIM 301800, HP:0002023.
Corpus callosum, agenesis of. Also called: Isolated corpus callosum agenesis; Corpus callosum agenesis; Mental retardation hypoplastic corpus callosum preauricular tag; Da silva syndrome; Agenesis of the corpus callosum. Identifiers: Orphanet 200, MedGen C0175754, MONDO:0009022, OMIM 217990, HP:0001274.
Intellectual disability. Also called: Intellectual developmental disorder; Intellectual functioning disability; intellectual disabilities. Identifiers: MedGen C3714756, MeSH D008607, MONDO:0001071, HP:0001249.
Abnormal facial shape. Also called: Dysmorphic facies; Dysmorphic facial features. Identifiers: MedGen C0424503, HP:0001999.
Broad thumb. Identifiers: MedGen C0426891, HP:0011304.
Global developmental delay (DD). Also called: Cognitive delay. Identifiers: MedGen C0557874, HP:0001263. Disease mechanism: loss of function.

Submissions 1 to 13 of 20:

Clinical Genetics Laboratory, Skane University Hospital Lund
Classification: Pathogenic for FG syndrome 1. Last evaluated: 2026-11-18. Review status: criteria provided, single submitter. Criteria: ACMG Guidelines, 2015. Collection method: clinical testing. Allele origin: germline. Affected: yes. Observed: 1 variant allele.
Comment: ACMG: PS3, PS4, PM2, PP1_Strong, PP3 and PP4.

Daryl Scott Lab, Baylor College of Medicine
Classification: Pathogenic for MED12-related disorder. Last evaluated: 2025-08-25. Review status: criteria provided, single submitter. Criteria: ACMG Guidelines, 2015. Collection method: clinical testing. Allele origin: de novo. Affected: yes. Observed: 1 hemizygote.
Comment: PS2, PS3, PS4, PM2

Dasa
Classification: Pathogenic. Last evaluated: 2025-08-23. Review status: criteria provided, single submitter. Criteria: DASA Assertion Criteria. Collection method: clinical testing. Allele origin: germline.
Comment: NM_005120.3(MED12):c.2881C>T (p.Arg961Trp) is a missense variant that results in the substitution of arginine with tryptophan. Segregation evidence has been reported in affected families. Functional evidence supports a deleterious effect on the gene or gene product (PMID: 23091001; PMID: 28369444; PMID: 17334363; PMID: 36271811; PMID: 19938245). This variant has been recurrently observed in individuals with related phenotype (PMID: 23091001; PMID: 28369444; PMID: 17334363; PMID: 36271811; PMID: 19938245). Multiple computational predictions support a deleterious effect on the gene or gene product. The variant is present at low frequency in population datasets. Based on the available data, this variant is classified as pathogenic.

Labcorp Genetics (formerly Invitae), Labcorp
Classification: Pathogenic for FG syndrome. Last evaluated: 2024-08-14. Review status: criteria provided, single submitter. Criteria: Invitae Variant Classification Sherloc (09022015). Collection method: clinical testing. Allele origin: germline.
Comment: This sequence change replaces arginine, which is basic and polar, with tryptophan, which is neutral and slightly polar, at codon 961 of the MED12 protein (p.Arg961Trp). This variant is not present in population databases (gnomAD no frequency). This missense change has been observed in individual(s) with Opitz-Kaveggia syndrome (PMID: 17334363, 18805826, 19938245). It has also been observed to segregate with disease in related individuals. ClinVar contains an entry for this variant (Variation ID: 11520). Invitae Evidence Modeling of protein sequence and biophysical properties (such as structural, functional, and spatial information, amino acid conservation, physicochemical variation, residue mobility, and thermodynamic stability) has been performed for this missense variant. However, the output from this modeling did not meet the statistical confidence thresholds required to predict the impact of this variant on MED12 protein function. Experimental studies have shown that this missense change affects MED12 function (PMID: 23091001). For these reasons, this variant has been classified as Pathogenic.

3billion
Classification: Pathogenic for FG syndrome 1. Last evaluated: 2023-08-14. Review status: criteria provided, single submitter. Criteria: ACMG Guidelines, 2015. Collection method: clinical testing. Allele origin: germline. Affected: yes.
Comment: The variant is not observed in the gnomAD v2.1.1 dataset. Predicted Consequence/Location: Missense variant In silico tool predictions suggest damaging effect of the variant on gene or gene product [REVEL: 0.71 (>=0.6, sensitivity 0.68 and specificity 0.92)]. Same nucleotide change resulting in same amino acid change has been previously reported as pathogenic/likely pathogenic with strong evidence (ClinVar ID: VCV000011520 /PMID: 17334363). The variant has been observed in multiple (>3) similarly affected unrelated individuals (PMID: 17334363). Therefore, this variant is classified as Pathogenic according to the recommendation of ACMG/AMP guideline.

Duke University Health System Sequencing Clinic, Duke University Health System
Classification: Pathogenic for FG syndrome 1. Last evaluated: 2023-04-20. Review status: criteria provided, single submitter. Criteria: ACMG Guidelines, 2015. Collection method: research. Allele origin: maternal. Affected: yes.

GeneDx
Classification: Pathogenic. Last evaluated: 2022-05-06. Review status: criteria provided, single submitter. Criteria: GeneDx Variant Classification Process June 2021. Collection method: clinical testing. Allele origin: germline. Affected: yes.
Comment: Published functional studies demonstrate prevention of normal suppression of GLI3, resulting in enhanced SHH signaling pathway activation (Zhou et al., 2012); Not observed in large population cohorts (gnomAD); In silico analysis supports that this missense variant does not alter protein structure/function; This variant is associated with the following publications: (PMID: 17334363, 31536828, 20981778, 26350204, 28369444, 31623504, 31618753, 33710394, 23091001, 19938245)

Blueprint Genetics
Classification: Pathogenic for MED12-related disorders. Last evaluated: 2021-06-23. Review status: criteria provided, single submitter. Criteria: ACMG Guidelines, 2015. Collection method: clinical testing. Allele origin: germline. Affected: yes. Observed: 2 variant alleles.

Revvity Omics, Revvity
Classification: Pathogenic. Last evaluated: 2020-12-01. Review status: criteria provided, single submitter. Criteria: ACMG Guidelines, 2015. Collection method: clinical testing. Allele origin: germline.

Center for Statistical Genetics, Columbia University
Classification: Pathogenic for Intellectual disability. Last evaluated: 2020-10-16. Review status: criteria provided, single submitter. Criteria: ACMG Guidelines, 2015. Collection method: research. Allele origin: inherited. Affected: yes.

Ambry Genetics
Classification: Likely pathogenic for Familial thoracic aortic aneurysm and aortic dissection. Last evaluated: 2020-06-30. Review status: criteria provided, single submitter. Criteria: Ambry Variant Classification Scheme 2023. Collection method: clinical testing. Allele origin: germline.
Comment: The c.2881C>T (p.R961W) alteration is located in coding exon 21 of the MED12 gene. This alteration results from a C to T substitution at nucleotide position 2881, causing the arginine (R) at amino acid position 961 to be replaced by a tryptophan (W). Based on data from the Genome Aggregation Database (gnomAD), the MED12 c.2881C>T alteration was not observed, with coverage at this position. The c.2881C>T (p.R961W) alteration has been reported in multiple unrelated males with neurodevelopmental disorders (Risheg, 2007; Graham, 2008; Clark, 2009; Lyons, 2009). The p.R961 amino acid is not conserved in available vertebrate species. Functional analyses demonstrated that the p.R961W alteration in patient-derived cells showed increased signaling and/or activation of downstream genes and this dysregulated signaling contributes to the phenotypes of patients with FG and Lujan syndromes (Zhou, 2012; Donnio, 2017). The in silico prediction for the p.R961W alteration is inconclusive. Based on the available evidence, this alteration is classified as likely pathogenic.

Baylor Genetics
Classification: Pathogenic for Blepharophimosis - intellectual disability syndrome, MKB type. Last evaluated: 2019-03-12. Review status: criteria provided, single submitter. Criteria: ACMG Guidelines, 2015. Collection method: clinical testing. Allele origin: maternal. Affected: yes.
Comment: This variant was determined to be pathogenic according to ACMG Guidelines, 2015 [PMID:25741868]. This variant has been previously reported as disease-causing [PMID 17334363, 19938245, 28369444, 20981778, 26350204, 23091001]

Fulgent Genetics
Classification: Pathogenic for Blepharophimosis - intellectual disability syndrome, MKB type; FG syndrome 1; X-linked intellectual disability with marfanoid habitus. Last evaluated: 2018-10-31. Review status: criteria provided, single submitter. Criteria: ACMG Guidelines, 2015. Collection method: clinical testing. Allele origin: unknown.

NM_005120.3(MED12):c.2881C>T (p.Arg961Trp)

Gene: MED12 (mediator complex subunit 12; plus strand). Cytogenetic location: Xq13.1.
Variant type: single nucleotide variant.
Coding change: c.2881C>T on transcript NM_005120.3 (MANE Select); coding-DNA position 2881, C replaced by T.
Protein change: p.Arg961Trp; replaces arginine 961 with tryptophan.
Molecular consequence: missense variant.
Genome position (GRCh38, 1-based): chrX:71,127,367, C>T. VCF-style: chrX-71127367-C-T. GRCh37 (hg19) VCF-style: chrX-70347217-C-T.
Other names: short protein forms R961W.
Identifiers: ClinVar variation 11520 (VCV000011520.39), dbSNP rs80338758, ClinGen allele CA324786.